The following is an entry in ClinVar:

NM_001174147.2(LMX1B):c.424TGC[2] (p.Cys144del)

Gene: LMX1B (LIM homeobox transcription factor 1 beta; plus strand). Cytogenetic location: 9q33.3.
Variant type: Microsatellite.
Coding change: c.424TGC[2] on transcript NM_001174147.2 (MANE Select); two copies in a row of the 3-base unit TGC starting at c.424; the reference has three copies in a row; one copy, 3 bases deleted; also written c.430_432del.
Protein change: p.Cys144del; deletes cysteine 144.
Genome position (GRCh38, 1-based): chr9:126,690,939-126,690,941, TGC deleted; deleting any 3 consecutive bases within chr9:126,690,932-126,690,941 gives the same sequence; the position shown is the placement nearest the transcript's 3' end. VCF-style (leftmost placement, unchanged base first): chr9-126690931-TCTG-T. GRCh37 (hg19) VCF-style: chr9-129453210-TCTG-T.
Other names: c.424TGC[2], p.Cys144del (NM_001174146.2, NM_002316.4); c.430_432del (NM_001174147.2); short protein forms C144del.
Identifiers: ClinVar variation 5010269 (VCV005010269.1).

ClinVar aggregate classification (germline): Likely pathogenic (1 of 4 stars; one submission).

Conditions:
Nail-patella syndrome (NPS). Also called: FONG DISEASE; ONYCHOOSTEODYSPLASIA; TURNER-KIESER SYNDROME. Identifiers: Orphanet 2614, MedGen C0027341, MONDO:0008061, OMIM 161200.

Submission:

Clinical Genetics Laboratory, Skane University Hospital Lund
Classification: Likely pathogenic for Nail-patella syndrome. Last evaluated: 2026-08-18. Review status: criteria provided, single submitter. Criteria: ACMG Guidelines, 2015. Collection method: clinical testing. Allele origin: germline. Affected: yes.
Comment: ACMG criteria used: PM1_Supporting, PM2, PM4_Supporting, PP1, PP4_Strong